The following is an entry in ClinVar:

NC_000023.11:g.(?_32438241)_(32491518_?)del

Gene: DMD (dystrophin; minus strand). Cytogenetic location: Xp21.1.
Variant type: Deletion.
Identifiers: ClinVar variation 417504 (VCV000417504.1).

ClinVar aggregate classification (germline): Pathogenic (1 of 4 stars; one submission).

Conditions:
Duchenne muscular dystrophy (DMD). Also called: MUSCULAR DYSTROPHY, PSEUDOHYPERTROPHIC PROGRESSIVE, DUCHENNE TYPE; Duchenne Muscular Dystrophy (DMD). Identifiers: Orphanet 98896, MedGen C0013264, MONDO:0010679, OMIM 310200.

Submission:

Labcorp Genetics (formerly Invitae), Labcorp
Classification: Pathogenic for Duchenne muscular dystrophy. Last evaluated: 2016-11-28. Review status: criteria provided, single submitter. Criteria: Invitae Variant Classification Sherloc (09022015). Collection method: clinical testing. Allele origin: germline.
Comment: This variant is a gross deletion of the genomic region encompassing exons 20-29 of the DMD gene. This creates a premature translational stop signal and is expected to result in an absent or disrupted protein product. Loss-of-function variants in DMD are known to be pathogenic. This particular variant has been reported in the literature in an individual affected with Duchenne muscular dystrophy (PMID: 12111668). For these reasons, this variant has been classified as Pathogenic.